The following is an entry in ClinVar:

NM_001378120.1(MBD5):c.2828A>G (p.Gln943Arg)

Gene: MBD5 (methyl-CpG binding domain protein 5; plus strand). Cytogenetic location: 2q23.1.
Variant type: single nucleotide variant.
Coding change: c.2828A>G on transcript NM_001378120.1 (MANE Select); coding-DNA position 2828, A replaced by G.
Protein change: p.Gln943Arg; replaces glutamine 943 with arginine.
Molecular consequence: missense variant.
Genome position (GRCh38, 1-based): chr2:148,483,419, A>G. VCF-style: chr2-148483419-A-G. GRCh37 (hg19) VCF-style: chr2-149240988-A-G.
Other names: p.Q943R:CAG>CGG; c.2828A>G, p.Gln943Arg (NM_018328.5); short protein forms Q943R.
Identifiers: ClinVar variation 206090 (VCV000206090.42), dbSNP rs377062993, ClinGen allele CA315836.

ClinVar aggregate classification (germline): Uncertain significance. Review status: criteria provided, multiple submitters, no conflicts (2 of 4 stars). 4 submissions from 4 submitters: Uncertain significance (4). Last evaluated 2024-03-10.

Conditions:
Intellectual developmental disorder, autosomal dominant 1. Also called: Intellectual disability, autosomal dominant 1; MBD5 Haploinsufficiency. Identifiers: Orphanet 228402, MedGen C1969562, MONDO:0007974, OMIM 156200.

Allele frequency attached by ClinVar (database versions not stated): ExAC 0.00001; ESP Exome Variant Server 0.00008; gnomAD 0.00001; gnomAD exomes 0.00001 and 0.00002; TOPMed 0.00002.
gnomAD v4.1: 35 of 1,613,876 alleles (0.0022%); highest among the groups gnomAD compares: Non-Finnish European, 0.0029%; no homozygotes.

Submissions (4):

Labcorp Genetics (formerly Invitae), Labcorp
Classification: Uncertain significance for Intellectual developmental disorder, autosomal dominant 1. Last evaluated: 2024-03-10. Review status: criteria provided, single submitter. Criteria: Invitae Variant Classification Sherloc (09022015). Collection method: clinical testing. Allele origin: germline.
Comment: This sequence change replaces glutamine, which is neutral and polar, with arginine, which is basic and polar, at codon 943 of the MBD5 protein (p.Gln943Arg). This variant is present in population databases (rs377062993, gnomAD 0.002%). This variant has not been reported in the literature in individuals affected with MBD5-related conditions. ClinVar contains an entry for this variant (Variation ID: 206090). Advanced modeling of protein sequence and biophysical properties (such as structural, functional, and spatial information, amino acid conservation, physicochemical variation, residue mobility, and thermodynamic stability) performed at Invitae indicates that this missense variant is not expected to disrupt MBD5 protein function with a negative predictive value of 80%. In summary, the available evidence is currently insufficient to determine the role of this variant in disease. Therefore, it has been classified as a Variant of Uncertain Significance.

CeGaT Center for Human Genetics Tuebingen
Classification: Uncertain significance. Last evaluated: 2021-10-01. Review status: criteria provided, single submitter. Criteria: CeGaT Center For Human Genetics Tuebingen Variant Classification Criteria Version 2. Collection method: clinical testing. Allele origin: germline. Affected: yes. Observed: 1 variant allele.

Fulgent Genetics
Classification: Uncertain significance for Intellectual developmental disorder, autosomal dominant 1. Last evaluated: 2018-10-31. Review status: criteria provided, single submitter. Criteria: ACMG Guidelines, 2015. Collection method: clinical testing. Allele origin: unknown.

GeneDx
Classification: Uncertain significance. Last evaluated: 2014-02-24. Review status: criteria provided, single submitter. Criteria: GeneDx Variant Classification (06012015). Collection method: clinical testing. Allele origin: germline. Affected: yes.
Comment: p.Gln943Arg (CAG>CGG): c.2828 A>G in exon 10 of the MBD5 gene (NM_018328.4) The Q943R variant has not been published as a mutation, nor has it been reported as a benign polymorphism to our knowledge. The Q943R variant is a semi-conservative amino acid substitution, which may impact secondary protein structure as these residues differ in some properties. This substitution occurs at a position that is conserved in mammals; however, Arginine is observed at this position in a distantly related species. In silico analysis predicts this variant likely does not alter the protein structure/function. To our knowledge, only deletions and frameshift mutations in MBD5 have been published in association with epilepsy. Therefore, based on the currently available information, it is unclear whether this variant is a pathogenic mutation or a rare benign variant. The variant is found in EPILEPSY panel(s).